The following is an entry in ClinVar:

ClinVar aggregate classification (germline): Pathogenic (1 of 4 stars; one submission).

Submission:

Labcorp Genetics (formerly Invitae), Labcorp
Classification: Pathogenic. Last evaluated: 2022-05-04. Review status: criteria provided, single submitter. Criteria: Invitae Variant Classification Sherloc (09022015). Collection method: clinical testing. Allele origin: germline.
Comment: This sequence change creates a premature translational stop signal (p.Lys152Argfs*21) in the ASAH1 gene. It is expected to result in an absent or disrupted protein product. Loss-of-function variants in ASAH1 are known to be pathogenic (PMID: 24164096, 24355074). This variant is present in population databases (rs768342020, gnomAD 0.007%). This variant has not been reported in the literature in individuals affected with ASAH1-related conditions. Algorithms developed to predict the effect of sequence changes on RNA splicing suggest that this variant may disrupt the consensus splice site. For these reasons, this variant has been classified as Pathogenic.

Literature cited by the submitters: PubMed 24164096; PubMed 24355074.

NM_177924.5(ASAH1):c.455_456del (p.Lys152fs)

Gene: ASAH1 (N-acylsphingosine amidohydrolase 1; minus strand). Cytogenetic location: 8p22.
Variant type: Deletion.
Coding change: c.455_456del on transcript NM_177924.5 (MANE Select); coding-DNA positions 455 to 456, 2 bases deleted (AA; older notation c.455_456delAA).
Protein change: p.Lys152fs; shifts the reading frame from lysine 152.
Molecular consequence: frameshift variant.
Genome position (GRCh38, 1-based): chr8:18,064,458-18,064,459, TT deleted on the plus strand (AA on the coding strand, the reverse complement: ASAH1 is on the minus strand); deleting any 2 consecutive bases within chr8:18,064,458-18,064,463 gives the same sequence; the c. name uses the placement nearest the transcript's 3' end. VCF-style (leftmost placement, unchanged base first): chr8-18064457-CTT-C. GRCh37 (hg19) VCF-style: chr8-17921966-CTT-C.
Other names: c.437_438del, p.Lys146fs (NM_001127505.3); c.260_261del, p.Lys87fs (NM_001363743.2); c.503_504del, p.Lys168fs (NM_004315.6); short protein forms K152fs, K87fs, K146fs, K168fs.
Identifiers: ClinVar variation 2044222 (VCV002044222.4), dbSNP rs768342020, ClinGen allele CA4650856.